The following is an entry in ClinVar:

NM_001458.5(FLNC):c.6074C>T (p.Thr2025Ile)

Genes: FLNC (filamin C; plus strand), FLNC-AS1 (FLNC antisense RNA 1; minus strand). Cytogenetic location: 7q32.1.
Variant type: single nucleotide variant.
Coding change: c.6074C>T on transcript NM_001458.5 (MANE Select); coding-DNA position 6074, C replaced by T.
Protein change: p.Thr2025Ile; replaces threonine 2025 with isoleucine.
Molecular consequence: missense variant.
Genome position (GRCh38, 1-based): chr7:128,852,897, C>T. VCF-style: chr7-128852897-C-T. GRCh37 (hg19) VCF-style: chr7-128492951-C-T.
Other names: c.5975C>T, p.Thr1992Ile (NM_001127487.2); short protein forms T2025I, T1992I.
Identifiers: ClinVar variation 1511157 (VCV001511157.11), dbSNP rs767695121, ClinGen allele CA4475882.

ClinVar aggregate classification (germline): Uncertain significance. Review status: criteria provided, multiple submitters, no conflicts (2 of 4 stars). 3 submissions from 3 submitters: Uncertain significance (3). Last evaluated 2026-04-02.

Conditions:
Cardiovascular phenotype. Identifiers: MedGen CN230736.
FLNC-related disorder. Also called: FLNC-related condition; FLNC-related disorders.
Hypertrophic cardiomyopathy 26. Also called: Cardiomyopathy, familial hypertrophic, 26. Identifiers: Orphanet 75249, MedGen C4310749, MONDO:0014883, OMIM 617047.
Distal myopathy with posterior leg and anterior hand involvement. Also called: WILLIAMS DISTAL MYOPATHY. Identifiers: Orphanet 63273, MedGen C3279722, MONDO:0013550, OMIM 614065.
Myofibrillar myopathy 5. Also called: Filaminopathy (type); FILAMINOPATHY, AUTOSOMAL DOMINANT. Identifiers: Orphanet 171445, MedGen C1836050, MONDO:0012289, OMIM 609524.

Allele frequency attached by ClinVar (database versions not stated): gnomAD exomes below 0.00001; ExAC 0.00001.
gnomAD v4.1: 6 of 1,613,776 alleles (0.00037%); highest among the groups gnomAD compares: Non-Finnish European, 0.00051%; no homozygotes.

Submissions (3):

PreventionGenetics, part of Exact Sciences
Classification: Uncertain significance for FLNC-related condition. Last evaluated: 2026-04-02. Review status: criteria provided, single submitter. Criteria: ACMG Guidelines, 2015. Collection method: clinical testing. Allele origin: germline.
Comment: The FLNC c.6074C>T variant is predicted to result in the amino acid substitution p.Thr2025Ile. This variant has been reported in a cohort study of individuals with frontotemporal dementia (Janssens et al. 2015. PubMed ID: 26555887). This variant is reported in 0.00088% of alleles in individuals of European (Non-Finnish) descent in gnomAD. At this time, the clinical significance of this variant is uncertain due to the absence of conclusive functional and genetic evidence.

Labcorp Genetics (formerly Invitae), Labcorp
Classification: Uncertain significance for Distal myopathy with posterior leg and anterior hand involvement; Myofibrillar myopathy 5; Hypertrophic cardiomyopathy 26. Last evaluated: 2025-10-29. Review status: criteria provided, single submitter. Criteria: Invitae Variant Classification Sherloc (09022015). Collection method: clinical testing. Allele origin: germline.
Comment: This sequence change replaces threonine, which is neutral and polar, with isoleucine, which is neutral and non-polar, at codon 2025 of the FLNC protein (p.Thr2025Ile). This variant is not present in population databases (gnomAD no frequency). This missense change has been observed in individual(s) with clinical features of frontotemporal dementia (PMID: 26555887). ClinVar contains an entry for this variant (Variation ID: 1511157). Invitae Evidence Modeling of protein sequence and biophysical properties (such as structural, functional, and spatial information, amino acid conservation, physicochemical variation, residue mobility, and thermodynamic stability) has been performed for this missense variant. However, the output from this modeling did not meet the statistical confidence thresholds required to predict the impact of this variant on FLNC protein function. In summary, the available evidence is currently insufficient to determine the role of this variant in disease. Therefore, it has been classified as a Variant of Uncertain Significance.

Ambry Genetics
Classification: Uncertain significance for Cardiovascular phenotype. Last evaluated: 2022-04-12. Review status: criteria provided, single submitter. Criteria: Ambry Variant Classification Scheme 2023. Collection method: clinical testing. Allele origin: germline.
Comment: The p.T2025I variant (also known as c.6074C>T), located in coding exon 37 of the FLNC gene, results from a C to T substitution at nucleotide position 6074. The threonine at codon 2025 is replaced by isoleucine, an amino acid with similar properties. This alteration was reported in a Belgian frontotemporal lobar degeneration (FTLD) cohort (Janssens J et al. Acta Neuropathol Commun, 2015 Nov;3:68). This amino acid position is well conserved in available vertebrate species. In addition, this alteration is predicted to be tolerated by in silico analysis. Since supporting evidence is limited at this time, the clinical significance of this alteration remains unclear.

Literature cited by the submitters: PubMed 26555887 (cited by Labcorp Genetics (formerly Invitae), Labcorp and Ambry Genetics).